The following is an entry in ClinVar:

ClinVar aggregate classification (germline): Likely pathogenic. Review status: criteria provided, multiple submitters, no conflicts (2 of 4 stars). 3 submissions from 3 submitters: Likely pathogenic (3). Last evaluated 2025-08-21.

Conditions:
Idiopathic generalized epilepsy. Also called: EIG; Generalised epilepsy. Identifiers: MedGen C0270850, MONDO:0005579, OMIM 600669.
Epilepsy, childhood absence 4 (ECA4). Also called: EPILEPSY, CHILDHOOD ABSENCE, SUSCEPTIBILITY TO, 4. Identifiers: Orphanet 307, MedGen C1970160.
Epilepsy, idiopathic generalized, susceptibility to, 13. Also called: EPILEPSY, JUVENILE MYOCLONIC, SUSCEPTIBILITY TO, 5. Identifiers: Orphanet 307, Orphanet 64280, MedGen C4013473, MONDO:0012627, OMIM 611136.
Developmental and epileptic encephalopathy, 19 (DEE19). Also called: Epileptic encephalopathy, early infantile, 19. Identifiers: Orphanet 33069, MedGen C3810400, MONDO:0014328, OMIM 615744.

Submissions (3):

Labcorp Genetics (formerly Invitae), Labcorp
Classification: Likely pathogenic for Epilepsy, childhood absence 4; Epilepsy, idiopathic generalized, susceptibility to, 13; Idiopathic generalized epilepsy. Last evaluated: 2025-08-21. Review status: criteria provided, single submitter. Criteria: Invitae Variant Classification Sherloc (09022015). Collection method: clinical testing. Allele origin: germline.
Comment: This sequence change replaces threonine, which is neutral and polar, with isoleucine, which is neutral and non-polar, at codon 295 of the GABRA1 protein (p.Thr295Ile). This variant is not present in population databases (gnomAD no frequency). This missense change has been observed in individual(s) with clinical features of GABRA1-related conditions (PMID: 29655203, 36672771, 37606373). In at least one individual the variant was observed to be de novo. ClinVar contains an entry for this variant (Variation ID: 205525). Invitae Evidence Modeling of protein sequence and biophysical properties (such as structural, functional, and spatial information, amino acid conservation, physicochemical variation, residue mobility, and thermodynamic stability) indicates that this missense variant is expected to disrupt GABRA1 protein function with a positive predictive value of 80%. Experimental studies have shown that this missense change affects GABRA1 function (PMID: 37606373). In summary, the currently available evidence indicates that the variant is pathogenic, but additional data are needed to prove that conclusively. Therefore, this variant has been classified as Likely Pathogenic.

Institute of Human Genetics, University of Leipzig Medical Center
Classification: Likely pathogenic for Developmental and epileptic encephalopathy, 19. Last evaluated: 2018-08-20. Review status: criteria provided, single submitter. Criteria: ACMG Guidelines, 2015. Collection method: clinical testing. Allele origin: de novo. Affected: yes. Observed: 1 variant allele.
Comment: This variant was identified as de novo (maternity and paternity confirmed).

GeneDx
Classification: Likely pathogenic. Last evaluated: 2016-11-04. Review status: criteria provided, single submitter. Criteria: GeneDx Variant Classification (06012015). Collection method: clinical testing. Allele origin: germline. Affected: yes.
Comment: The Thr295Ile missense change has not been published as a pathogenic variant, nor has it been reported as a benign polymorphism to our knowledge. The NHLBI ESP Exome Variant Project has not identified Thr295Ile in approximately 6,500 individuals of European or African American ethnicity, indicating that it is not a common benign variant in these populations. This variant is a non-conservative amino acid substitution of a polar Threonine residue with a non-polar Isoleucine residue. Thr295Ile alters a highly conserved position in the second transmembrane domain of the GABRA1 protein and another missense variant at a nearby codon (Thr294Ile) has been reported as a de novo variant in an individual with epilepsy. In addition, in silico analysis predicts this variant is probably damaging to the protein structure/function. Therefore, based on the currently available information, the Thr295Ile variant is a strong candidate for a pathogenic variant, although the possibility that it is a benign variant cannot be excluded. The variant is found in EPILEPSY panel(s).

Literature cited by the submitters: PubMed 29655203 (cited by Labcorp Genetics (formerly Invitae), Labcorp); PubMed 36672771 (cited by Labcorp Genetics (formerly Invitae), Labcorp); PubMed 37606373 (cited by Labcorp Genetics (formerly Invitae), Labcorp).

NM_001127644.2(GABRA1):c.884C>T (p.Thr295Ile)

Gene: GABRA1 (gamma-aminobutyric acid type A receptor subunit alpha1; plus strand). Cytogenetic location: 5q34.
Variant type: single nucleotide variant.
Coding change: c.884C>T on transcript NM_001127644.2 (MANE Select); coding-DNA position 884, C replaced by T.
Protein change: p.Thr295Ile; replaces threonine 295 with isoleucine.
Molecular consequence: missense variant.
Genome position (GRCh38, 1-based): chr5:161,895,693, C>T. VCF-style: chr5-161895693-C-T. GRCh37 (hg19) VCF-style: chr5-161322699-C-T.
Other names: p.T295I:ACA>ATA; c.884C>T, p.Thr295Ile (NM_000806.5, NM_001127643.2, NM_001127645.2 and 1 more transcripts); short protein forms T295I.
Identifiers: ClinVar variation 205525 (VCV000205525.9), dbSNP rs796052496, ClinGen allele CA314680.
Genomic context (GRCh38, chr5:161,895,693, plus strand): 5'-TGGCATCATGTATGTTTTTTTTTTTCTTTACAGGAGTAACAACTGTGCTCACCATGACAA[C>T]ATTGAGCATCAGTGCCAGAAACTCCCTCCCTAAGGTGGCTTATGCAACAGCTATGGATTG-3'
Protein context (NP_001121116.1, residues 285-305): FGVTTVLTMT[Thr295Ile]LSISARNSLP